The following is an entry in ClinVar:

ClinVar aggregate classification (germline): Likely benign. Review status: criteria provided, multiple submitters, no conflicts (2 of 4 stars). 2 submissions from 2 submitters: Likely benign (2). Last evaluated 2025-05-01.

Allele frequency attached by ClinVar (database versions not stated): gnomAD exomes 0.00001; TOPMed 0.00002; ExAC 0.00005; gnomAD 0.00005; 1000 Genomes Project 0.00040; 1000 Genomes Project 30x 0.00047.
gnomAD v4.1: 19 of 1,608,480 alleles (0.0012%); highest among the groups gnomAD compares: African/African-American, 0.0027%; no homozygotes.

Submissions (2):

CeGaT Center for Human Genetics Tuebingen
Classification: Likely benign. Last evaluated: 2025-05-01. Review status: criteria provided, single submitter. Criteria: CeGaT Center For Human Genetics Tuebingen Variant Classification Criteria Version 2. Collection method: clinical testing. Allele origin: germline. Affected: yes. Observed: 1 variant allele.
Comment: DNA2: BP4, BP7

Labcorp Genetics (formerly Invitae), Labcorp
Classification: Likely benign. Last evaluated: 2025-04-07. Review status: criteria provided, single submitter. Criteria: Invitae Variant Classification Sherloc (09022015). Collection method: clinical testing. Allele origin: germline.

NM_001080449.3(DNA2):c.1410G>A (p.Ser470=)

Gene: DNA2 (DNA replication helicase/nuclease 2; minus strand). Cytogenetic location: 10q21.3.
Variant type: single nucleotide variant.
Coding change: c.1410G>A on transcript NM_001080449.3 (MANE Select); coding-DNA position 1410, G replaced by A.
Protein change: p.Ser470=; no amino-acid change (serine 470 retained).
Molecular consequence: synonymous variant. On other transcripts: non-coding transcript variant (1).
Genome position (GRCh38, 1-based): chr10:68,442,922, C>T on the plus strand (G>A on the coding strand, the complement: DNA2 is on the minus strand). VCF-style: chr10-68442922-C-T. GRCh37 (hg19) VCF-style: chr10-70202679-C-T.
Identifiers: ClinVar variation 1924579 (VCV001924579.15), dbSNP rs145280717, ClinGen allele CA5525087.